The following is an entry in ClinVar:

NM_025219.3(DNAJC5):c.*817C>T

Gene: DNAJC5 (DnaJ heat shock protein family (Hsp40) member C5; plus strand). Cytogenetic location: 20q13.33.
Variant type: single nucleotide variant.
Coding change: c.*817C>T on transcript NM_025219.3 (MANE Select); 817 bases downstream of the stop codon, C replaced by T.
Molecular consequence: 3 prime UTR variant.
Genome position (GRCh38, 1-based): chr20:63,932,385, C>T. VCF-style: chr20-63932385-C-T. GRCh37 (hg19) VCF-style: chr20-62563738-C-T.
Identifiers: ClinVar variation 339374 (VCV000339374.6), dbSNP rs114525694, ClinGen allele CA10653391.

ClinVar aggregate classification (germline): Benign (1 of 4 stars; one submission).

Conditions:
Ceroid lipofuscinosis, neuronal, 4 (Kufs type) (CLN4). Also called: Neuronal ceroid lipofuscinosis 4B; Ceroid lipofuscinosis, neuronal, 4, Parry type. Identifiers: Orphanet 228343, Orphanet 79262, MedGen C1834207, MONDO:0008083, OMIM 162350.

Allele frequency attached by ClinVar (database versions not stated): gnomAD exomes 0.00163; gnomAD 0.00461 and 0.00491; 1000 Genomes Project 0.00499; 1000 Genomes Project 30x 0.00500; TOPMed 0.00536.
gnomAD v4.1: 694 of 152,768 alleles (0.45%); highest among the groups gnomAD compares: African/African-American, 1.6%; 2 homozygotes.

Submission:

Illumina Laboratory Services, Illumina
Classification: Benign for Ceroid lipofuscinosis, neuronal, 4 (Kufs type). Last evaluated: 2018-01-12. Review status: criteria provided, single submitter. Criteria: ICSL Variant Classification Criteria 13 December 2019. Collection method: clinical testing. Allele origin: germline.
Comment: This variant was observed in the ICSL laboratory as part of a predisposition screen in an ostensibly healthy population. It had not been previously curated by ICSL or reported in the Human Gene Mutation Database (HGMD: prior to June 1st, 2018), and was therefore a candidate for classification through an automated scoring system. Utilizing variant allele frequency, disease prevalence and penetrance estimates, and inheritance mode, an automated score was calculated to assess if this variant is too frequent to cause the disease. Based on the score and internal cut-off values, a variant classified as benign is not then subjected to further curation. The score for this variant resulted in a classification of benign for this disease.